The following is an entry in ClinVar:

ClinVar aggregate classification (germline): Uncertain significance (1 of 4 stars; one submission).

Conditions:
Aicardi-Goutieres syndrome 3. Identifiers: Orphanet 51, MedGen C1835916, MONDO:0012471, OMIM 610329.

Allele frequency attached by ClinVar (database versions not stated): gnomAD exomes below 0.00001.

Submission:

Labcorp Genetics (formerly Invitae), Labcorp
Classification: Uncertain significance for Aicardi-Goutieres syndrome 3. Last evaluated: 2024-11-18. Review status: criteria provided, single submitter. Criteria: Invitae Variant Classification Sherloc (09022015). Collection method: clinical testing. Allele origin: germline.
Comment: This sequence change replaces leucine, which is neutral and non-polar, with valine, which is neutral and non-polar, at codon 29 of the RNASEH2C protein (p.Leu29Val). This variant is not present in population databases (gnomAD no frequency). This variant has not been reported in the literature in individuals affected with RNASEH2C-related conditions. ClinVar contains an entry for this variant (Variation ID: 2198917). An algorithm developed to predict the effect of missense changes on protein structure and function (PolyPhen-2) suggests that this variant is likely to be disruptive. In summary, the available evidence is currently insufficient to determine the role of this variant in disease. Therefore, it has been classified as a Variant of Uncertain Significance.

NM_032193.4(RNASEH2C):c.85C>G (p.Leu29Val)

Genes: RNASEH2C (ribonuclease H2 subunit C; minus strand), LOC130006061 (ATAC-STARR-seq lymphoblastoid silent region 3553; plus strand). Cytogenetic location: 11q13.1.
Variant type: single nucleotide variant.
Coding change: c.85C>G on transcript NM_032193.4 (MANE Select); coding-DNA position 85, C replaced by G.
Protein change: p.Leu29Val; replaces leucine 29 with valine.
Molecular consequence: missense variant.
Genome position (GRCh38, 1-based): chr11:65,720,674, G>C on the plus strand (C>G on the coding strand, the complement: RNASEH2C is on the minus strand). VCF-style: chr11-65720674-G-C. GRCh37 (hg19) VCF-style: chr11-65488145-G-C.
Other names: short protein forms L29V.
Identifiers: ClinVar variation 2198917 (VCV002198917.4), dbSNP rs781290873, ClinGen allele CA381299437.